The following is an entry in ClinVar:

NM_022124.6(CDH23):c.7551C>A (p.Ser2517Arg)

Gene: CDH23 (cadherin related 23; plus strand). Cytogenetic location: 10q22.1.
Variant type: single nucleotide variant.
Coding change: c.7551C>A on transcript NM_022124.6 (MANE Select); coding-DNA position 7551, C replaced by A.
Protein change: p.Ser2517Arg; replaces serine 2517 with arginine.
Molecular consequence: missense variant.
Genome position (GRCh38, 1-based): chr10:71,802,966, C>A. VCF-style: chr10-71802966-C-A. GRCh37 (hg19) VCF-style: chr10-73562723-C-A.
Other names: c.831C>A, p.Ser277Arg (NM_001171933.1, NM_001171934.1); c.7551C>A (NM_022124.5); short protein forms S277R, S2517R.
Identifiers: ClinVar variation 1967188 (VCV001967188.3), dbSNP rs886047140, ClinGen allele CA377160574.

ClinVar aggregate classification (germline): Uncertain significance. Review status: criteria provided, multiple submitters, no conflicts (2 of 4 stars). 2 submissions from 2 submitters: Uncertain significance (2). Last evaluated 2025-03-08.

Conditions:
Inborn genetic diseases. Identifiers: MedGen C0950123, MeSH D030342.

Submissions (2):

Ambry Genetics
Classification: Uncertain significance for Inborn genetic diseases. Last evaluated: 2025-03-08. Review status: criteria provided, single submitter. Criteria: Ambry Variant Classification Scheme 2023. Collection method: clinical testing. Allele origin: germline.

Labcorp Genetics (formerly Invitae), Labcorp
Classification: Uncertain significance. Last evaluated: 2022-04-25. Review status: criteria provided, single submitter. Criteria: Invitae Variant Classification Sherloc (09022015). Collection method: clinical testing. Allele origin: germline.
Comment: This sequence change replaces serine, which is neutral and polar, with arginine, which is basic and polar, at codon 2517 of the CDH23 protein (p.Ser2517Arg). This variant is not present in population databases (gnomAD no frequency). This variant has not been reported in the literature in individuals affected with CDH23-related conditions. Algorithms developed to predict the effect of missense changes on protein structure and function are either unavailable or do not agree on the potential impact of this missense change (SIFT: "Deleterious"; PolyPhen-2: "Not Available"; Align-GVGD: "Class C0"). In summary, the available evidence is currently insufficient to determine the role of this variant in disease. Therefore, it has been classified as a Variant of Uncertain Significance.